The following is an entry in ClinVar:

ClinVar aggregate classification (germline): Uncertain significance (1 of 4 stars; one submission).

Conditions:
Inborn genetic diseases. Identifiers: MedGen C0950123, MeSH D030342.

Submission:

Ambry Genetics
Classification: Uncertain significance for Inborn genetic diseases. Last evaluated: 2018-09-15. Review status: criteria provided, single submitter. Criteria: Ambry Variant Classification Scheme 2023. Collection method: clinical testing. Allele origin: germline.
Comment: The p.M724L variant (also known as c.2170A>C), located in coding exon 20 of the ATP13A2 gene, results from an A to C substitution at nucleotide position 2170. The methionine at codon 724 is replaced by leucine, an amino acid with highly similar properties. This amino acid position is well conserved in available vertebrate species. In addition, this alteration is predicted to be tolerated by in silico analysis. Since supporting evidence is limited at this time, the clinical significance of this alteration remains unclear.

NM_022089.4(ATP13A2):c.2170A>C (p.Met724Leu)

Gene: ATP13A2 (ATPase cation transporting 13A2; minus strand). Cytogenetic location: 1p36.13.
Variant type: single nucleotide variant.
Coding change: c.2170A>C on transcript NM_022089.4 (MANE Select); coding-DNA position 2170, A replaced by C.
Protein change: p.Met724Leu; replaces methionine 724 with leucine.
Molecular consequence: missense variant.
Genome position (GRCh38, 1-based): chr1:16,991,815, T>G on the plus strand (A>C on the coding strand, the complement: ATP13A2 is on the minus strand). VCF-style: chr1-16991815-T-G. GRCh37 (hg19) VCF-style: chr1-17318310-T-G.
Other names: c.2155A>C, p.Met719Leu (NM_001141973.3, NM_001141974.3); short protein forms M719L, M724L.
Identifiers: ClinVar variation 1787084 (VCV001787084.2), dbSNP rs759920062, ClinGen allele CA338243624.